The following is an entry in ClinVar:

NM_014000.3(VCL):c.2872T>C (p.Ser958Pro)

Gene: VCL (vinculin; plus strand). Cytogenetic location: 10q22.2.
Variant type: single nucleotide variant.
Coding change: c.2872T>C on transcript NM_014000.3 (MANE Select); coding-DNA position 2872, T replaced by C.
Protein change: p.Ser958Pro; replaces serine 958 with proline.
Molecular consequence: missense variant. On other transcripts: intron variant (1).
Genome position (GRCh38, 1-based): chr10:74,112,035, T>C. VCF-style: chr10-74112035-T-C. GRCh37 (hg19) VCF-style: chr10-75871793-T-C.
Other names: c.2746-2149T>C (NM_003373.4); short protein forms S958P.
Identifiers: ClinVar variation 4976388 (VCV004976388.1).

ClinVar aggregate classification (germline): Uncertain significance (1 of 4 stars; one submission).

Submission:

GeneDx
Classification: Uncertain significance. Last evaluated: 2026-02-10. Review status: criteria provided, single submitter. Criteria: GeneDx Variant Classification Process June 2021. Collection method: clinical testing. Allele origin: germline.
Comment: Not observed at significant frequency in large population cohorts (gnomAD); In silico analysis suggests that this missense variant does not alter protein structure/function; Has not been previously published as pathogenic or benign to our knowledge